The following is an entry in ClinVar:

ClinVar aggregate classification (germline): Benign/Likely benign. Review status: criteria provided, multiple submitters, no conflicts (2 of 4 stars). 5 submissions from 5 submitters: Benign (3); Likely benign (2). Last evaluated 2026-02-03.

Conditions:
Cenani-Lenz syndactyly syndrome. Also called: CENANI SYNDACTYLISM; SYNDACTYLY, TYPE VII. Identifiers: Orphanet 3258, MedGen C1859309, MONDO:0008931, OMIM 212780.
Congenital myasthenic syndrome 17. Identifiers: Orphanet 590, MedGen C4225377, MONDO:0014578, OMIM 616304.
Sclerosteosis 2 (SOST2). Identifiers: Orphanet 3152, MedGen C3280402, MONDO:0013679, OMIM 614305.

Allele frequency attached by ClinVar (database versions not stated): gnomAD exomes 0.00207 and 0.00533; ExAC 0.00637; gnomAD 0.01998 and 0.02133; ESP Exome Variant Server 0.02254; 1000 Genomes Project 0.02256; TOPMed 0.02292; 1000 Genomes Project 30x 0.02436.
gnomAD v4.1: 6,210 of 1,613,268 alleles (0.38%); highest among the groups gnomAD compares: African/African-American, 7.2%; 208 homozygotes.

Submissions (5):

Labcorp Genetics (formerly Invitae), Labcorp
Classification: Benign for Cenani-Lenz syndactyly syndrome; Sclerosteosis 2; Congenital myasthenic syndrome 17. Last evaluated: 2026-02-03. Review status: criteria provided, single submitter. Criteria: Invitae Variant Classification Sherloc (09022015). Collection method: clinical testing. Allele origin: germline.

Mayo Clinic Laboratories, Mayo Clinic
Classification: Benign. Last evaluated: 2023-11-22. Review status: criteria provided, single submitter. Criteria: ACMG Guidelines, 2015. Collection method: clinical testing. Allele origin: germline. Observed: 6 variant alleles.
Comment: BA1, BP4, BP7

GeneDx
Classification: Benign. Last evaluated: 2018-11-16. Review status: criteria provided, single submitter. Criteria: GeneDx Variant Classification Process June 2021. Collection method: clinical testing. Allele origin: germline. Affected: yes.

Illumina Laboratory Services, Illumina
Classification: Likely benign for Cenani-Lenz syndactyly syndrome. Last evaluated: 2017-04-27. Review status: criteria provided, single submitter. Criteria: ICSL Variant Classification Criteria 13 December 2019. Collection method: clinical testing. Allele origin: germline.
Comment: This variant was observed as part of a predisposition screen in an ostensibly healthy population. A literature search was performed for the gene, cDNA change, and amino acid change (where applicable). No publications were found based on this search. Allele frequency data from public databases allowed determination this variant is unlikely to cause disease. Therefore, this variant is classified as likely benign.

Breakthrough Genomics
Classification: Likely benign. Review status: criteria provided, single submitter. Criteria: ACMG Guidelines, 2015. Collection method: not provided. Allele origin: germline. Inheritance: Autosomal recessive inheritance. Affected: yes.

NM_002334.4(LRP4):c.3945G>A (p.Ser1315=)

Gene: LRP4 (LDL receptor related protein 4; minus strand). Cytogenetic location: 11p11.2.
Variant type: single nucleotide variant.
Coding change: c.3945G>A on transcript NM_002334.4 (MANE Select); coding-DNA position 3945, G replaced by A.
Protein change: p.Ser1315=; no amino-acid change (serine 1315 retained).
Molecular consequence: synonymous variant.
Genome position (GRCh38, 1-based): chr11:46,875,084, C>T on the plus strand (G>A on the coding strand, the complement: LRP4 is on the minus strand). VCF-style: chr11-46875084-C-T. GRCh37 (hg19) VCF-style: chr11-46896635-C-T.
Other names: p.Ser1315=.
Identifiers: ClinVar variation 304863 (VCV000304863.20), dbSNP rs61733844, ClinGen allele CA5969431.